The following is an entry in ClinVar:

NM_024915.4(GRHL2):c.804C>T (p.Thr268=)

Gene: GRHL2 (grainyhead like transcription factor 2; plus strand). Cytogenetic location: 8q22.3.
Variant type: single nucleotide variant.
Coding change: c.804C>T on transcript NM_024915.4 (MANE Select); coding-DNA position 804, C replaced by T.
Protein change: p.Thr268=; no amino-acid change (threonine 268 retained).
Molecular consequence: synonymous variant.
Genome position (GRCh38, 1-based): chr8:101,573,737, C>T. VCF-style: chr8-101573737-C-T. GRCh37 (hg19) VCF-style: chr8-102585965-C-T.
Other names: c.756C>T, p.Thr252= (NM_001330593.2).
Identifiers: ClinVar variation 227417 (VCV000227417.44), dbSNP rs55682875, ClinGen allele CA4830395.

ClinVar aggregate classification (germline): Conflicting classifications of pathogenicity. Review status: criteria provided, conflicting classifications (1 of 4 stars). 7 submissions from 7 submitters: Uncertain significance (1); Benign (1); Likely benign (4). 1 of the submissions does not count toward it. Last evaluated 2026-01-06.

Conditions:
GRHL2-related disorder. Also called: GRHL2-related disorders; GRHL2-related condition.

Allele frequency attached by ClinVar (database versions not stated): ExAC 0.00056; 1000 Genomes Project 0.00060; 1000 Genomes Project 30x 0.00062; gnomAD exomes 0.00074 and 0.00085; gnomAD 0.00075 and 0.00076; TOPMed 0.00075; ESP Exome Variant Server 0.00092.
gnomAD v4.1: 1,353 of 1,614,170 alleles (0.084%); highest among the groups gnomAD compares: Non-Finnish European, 0.096%; no homozygotes.

Submissions (7):

Labcorp Genetics (formerly Invitae), Labcorp
Classification: Benign. Last evaluated: 2026-01-06. Review status: criteria provided, single submitter. Criteria: Invitae Variant Classification Sherloc (09022015). Collection method: clinical testing. Allele origin: germline.

CeGaT Center for Human Genetics Tuebingen
Classification: Likely benign. Last evaluated: 2025-02-01. Review status: criteria provided, single submitter. Criteria: CeGaT Center For Human Genetics Tuebingen Variant Classification Criteria Version 2. Collection method: clinical testing. Allele origin: germline. Affected: yes. Observed: 3 variant alleles.
Comment: GRHL2: BP4, BP7

Blueprint Genetics
Classification: Likely benign. Last evaluated: 2024-10-09. Review status: criteria provided, single submitter. Criteria: ACMG Guidelines, 2015. Collection method: clinical testing. Allele origin: germline.

GeneDx
Classification: Likely benign. Last evaluated: 2020-12-09. Review status: criteria provided, single submitter. Criteria: GeneDx Variant Classification Process June 2021. Collection method: clinical testing. Allele origin: germline. Affected: yes.

Eurofins Ntd Llc (ga)
Classification: Uncertain significance. Last evaluated: 2018-03-27. Review status: criteria provided, single submitter. Criteria: EGL ClinVar v180209 classification definitions. Collection method: clinical testing. Allele origin: germline. Observed: 1 variant allele, 1 heterozygote.

Laboratory for Molecular Medicine, Mass General Brigham Personalized Medicine
Classification: Likely benign. Last evaluated: 2016-01-28. Review status: criteria provided, single submitter. Criteria: LMM Criteria. Collection method: clinical testing. Allele origin: germline. Observed: 2 variant alleles.
Comment: Thr268Thr in Exon 06 of GRHL2: This variant is not expected to have clinical sig nificance because it does not alter an amino acid residue, is not located within the splice consensus sequence, and has been identified in 58/66678 European chr omosomes by the Exome Aggregation Consortium (ExAC, rg; dbSNP rs55682875).

PreventionGenetics, part of Exact Sciences
Classification: Likely benign for GRHL2-related condition. Last evaluated: 2024-07-11. Review status: no assertion criteria provided. Collection method: clinical testing. Allele origin: germline. Not counted in ClinVar's aggregate classification.
Comment: This variant is classified as likely benign based on ACMG/AMP sequence variant interpretation guidelines (Richards et al. 2015 PMID: 25741868, with internal and published modifications).